The following is an entry in ClinVar:

ClinVar aggregate classification (germline): Likely benign (1 of 4 stars; one submission).

Conditions:
Leigh syndrome (NULS). Also called: Leigh's necrotizing encephalopathy; Leigh's disease; Leigh's syndrome; LEIGH SYNDROME, NUCLEAR; Leigh Syndrome (mtDNA deletion); Leigh Disease. Identifiers: Orphanet 506, MedGen C2931891, MONDO:0009723, OMIM 256000.

Submission:

Wong Mito Lab, Molecular and Human Genetics, Baylor College of Medicine
Classification: Likely benign for Leigh syndrome. Last evaluated: 2019-10-17. Review status: criteria provided, single submitter. Criteria: Modified ACMG Guidelines (Unpublished). Collection method: clinical testing. Allele origin: germline.
Comment: The NC_012920.1:m.13907A>G (YP_003024036.1:p.Asn524Ser) variant in MTND5 gene is interpretated to be a Likely Benign variant based on the modified ACMG guidelines (unpublished). This variant meets the following evidence codes: BS1, BP6

NC_012920.1(MT-ND5):m.13907A>G

Gene: MT-ND5 (mitochondrially encoded NADH dehydrogenase 5; plus strand).
Variant type: single nucleotide variant.
Genome position: chrM-13907-A-G.
Identifiers: ClinVar variation 693630 (VCV000693630.1), dbSNP rs1603224408, ClinGen allele CA414820043.